The following is an entry in ClinVar:

ClinVar aggregate classification (germline): Uncertain significance (1 of 4 stars; one submission).

Submission:

Labcorp Genetics (formerly Invitae), Labcorp
Classification: Uncertain significance. Last evaluated: 2025-11-12. Review status: criteria provided, single submitter. Criteria: Invitae Variant Classification Sherloc (09022015). Collection method: clinical testing. Allele origin: germline.
Comment: This sequence change creates a premature translational stop signal (p.Asn228Thrfs*54) in the MYH7B gene. It is expected to result in an absent or disrupted protein product. However, the current clinical and genetic evidence is not sufficient to establish whether loss-of-function variants in MYH7B cause disease. This variant is not present in population databases (gnomAD no frequency). This variant has not been reported in the literature in individuals affected with MYH7B-related conditions. In summary, the available evidence is currently insufficient to determine the role of this variant in disease. Therefore, it has been classified as a Variant of Uncertain Significance.

NM_020884.7(MYH7B):c.555del (p.Asn186fs)

Gene: MYH7B (myosin heavy chain 7B; plus strand). Cytogenetic location: 20q11.22.
Variant type: Deletion.
Coding change: c.555del on transcript NM_020884.7 (MANE Select); coding-DNA position 555, one base deleted (T; older notation c.555delT).
Protein change: p.Asn186fs; shifts the reading frame from asparagine 186.
Molecular consequence: frameshift variant.
Genome position (GRCh38, 1-based): chr20:34,982,486, T deleted; the last of 2 consecutive T bases (chr20:34,982,485-34,982,486); deleting either gives the same sequence. VCF-style (leftmost placement, unchanged base first): chr20-34982484-GT-G. GRCh37 (hg19) VCF-style: chr20-33570287-GT-G.
Other names: short protein forms N186fs.
Identifiers: ClinVar variation 4731150 (VCV004731150.1).